The following is an entry in ClinVar:

NM_001372044.2(SHANK3):c.*50del

Gene: SHANK3 (SH3 and multiple ankyrin repeat domains 3; plus strand). Cytogenetic location: 22q13.33.
Variant type: Deletion.
Coding change: c.*50del on transcript NM_001372044.2 (MANE Select); 50 bases downstream of the stop codon, one base deleted (C; older notation c.*50delC).
Molecular consequence: 3 prime UTR variant.
Genome position (GRCh38, 1-based): chr22:50,731,362, C deleted; the last of 6 consecutive C bases (chr22:50,731,357-50,731,362); deleting any one gives the same sequence. VCF-style (leftmost placement, unchanged base first): chr22-50731356-GC-G. GRCh37 (hg19) VCF-style: chr22-51169784-GC-G.
Other names: c.*50delC (NM_033517.1).
Identifiers: ClinVar variation 3049722 (VCV003049722.2), dbSNP rs990071740, ClinGen allele CA325591272.

ClinVar aggregate classification (germline): Likely benign (0 of 4 stars; one submission).

Conditions:
SHANK3-related disorder. Also called: SHANK3-related condition.

Submission:

PreventionGenetics, part of Exact Sciences
Classification: Likely benign for SHANK3-related condition. Last evaluated: 2023-12-20. Review status: no assertion criteria provided. Collection method: clinical testing. Allele origin: germline.
Comment: This variant is classified as likely benign based on ACMG/AMP sequence variant interpretation guidelines (Richards et al. 2015 PMID: 25741868, with internal and published modifications).